The following is an entry in ClinVar:

ClinVar aggregate classification (germline): Conflicting classifications of pathogenicity. Review status: criteria provided, conflicting classifications (1 of 4 stars). 4 submissions from 4 submitters: Uncertain significance (1); Likely benign (3). Last evaluated 2025-10-04.

Conditions:
Kidney disorder. Also called: Nephropathy; Kidney disease; Kidney Diseases; renal disease; renal disorder. Identifiers: MedGen C0022658, MONDO:0005240, HP:0000112.

Allele frequency attached by ClinVar (database versions not stated): 1000 Genomes Project 0.00040; 1000 Genomes Project 30x 0.00047; gnomAD 0.00074 and 0.00076; ESP Exome Variant Server 0.00077; TOPMed 0.00090; ExAC 0.00020.
gnomAD v4.1: 341 of 1,589,046 alleles (0.021%); highest among the groups gnomAD compares: African/African-American, 0.23%; no homozygotes.

Submissions (4):

Labcorp Genetics (formerly Invitae), Labcorp
Classification: Likely benign. Last evaluated: 2025-10-04. Review status: criteria provided, single submitter. Criteria: Invitae Variant Classification Sherloc (09022015). Collection method: clinical testing. Allele origin: germline.

Mayo Clinic Laboratories, Mayo Clinic
Classification: Likely benign. Last evaluated: 2025-09-30. Review status: criteria provided, single submitter. Criteria: ACMG Guidelines, 2015. Collection method: clinical testing. Allele origin: germline. Observed: 5 variant alleles.
Comment: BP4, BP7

Blueprint Genetics
Classification: Likely benign. Last evaluated: 2024-09-19. Review status: criteria provided, single submitter. Criteria: ACMG Guidelines, 2015. Collection method: clinical testing. Allele origin: germline.

Genome Diagnostics Laboratory, The Hospital for Sick Children
Classification: Uncertain significance for Kidney disorder. Last evaluated: 2020-01-01. Review status: criteria provided, single submitter. Criteria: ACMG Guidelines, 2015. Collection method: clinical testing. Allele origin: germline.

NM_000064.4(C3):c.2354+9G>A

Gene: C3 (complement C3; minus strand). Cytogenetic location: 19p13.3.
Variant type: single nucleotide variant.
Coding change: c.2354+9G>A on transcript NM_000064.4 (MANE Select); 9 bases into the intron after coding-DNA position 2354, G replaced by A.
Molecular consequence: intron variant.
Genome position (GRCh38, 1-based): chr19:6,702,462, C>T on the plus strand (G>A on the coding strand, the complement: C3 is on the minus strand). VCF-style: chr19-6702462-C-T. GRCh37 (hg19) VCF-style: chr19-6702473-C-T.
Other names: p.?.
Identifiers: ClinVar variation 777389 (VCV000777389.13), dbSNP rs184430616, ClinGen allele CA9129121.